The following is an entry in ClinVar:

ClinVar aggregate classification (germline): Uncertain significance (1 of 4 stars; one submission).

Conditions:
Peroxisome biogenesis disorder. Identifiers: Orphanet 79189, MedGen C1832200, MONDO:0019234. Disease mechanism: loss of function.

Submission:

Labcorp Genetics (formerly Invitae), Labcorp
Classification: Uncertain significance for Peroxisome biogenesis disorder. Last evaluated: 2022-02-28. Review status: criteria provided, single submitter. Criteria: Invitae Variant Classification Sherloc (09022015). Collection method: clinical testing. Allele origin: germline.
Comment: In summary, the available evidence is currently insufficient to determine the role of this variant in disease. Therefore, it has been classified as a Variant of Uncertain Significance. Algorithms developed to predict the effect of missense changes on protein structure and function (SIFT, PolyPhen-2, Align-GVGD) all suggest that this variant is likely to be tolerated. This variant has not been reported in the literature in individuals affected with PEX6-related conditions. This variant is not present in population databases (gnomAD no frequency). This sequence change replaces arginine, which is basic and polar, with glycine, which is neutral and non-polar, at codon 452 of the PEX6 protein (p.Arg452Gly).

NM_000287.4(PEX6):c.1354C>G (p.Arg452Gly)

Gene: PEX6 (peroxisomal biogenesis factor 6; minus strand). Cytogenetic location: 6p21.1.
Variant type: single nucleotide variant.
Coding change: c.1354C>G on transcript NM_000287.4 (MANE Select); coding-DNA position 1354, C replaced by G.
Protein change: p.Arg452Gly; replaces arginine 452 with glycine.
Molecular consequence: missense variant. On other transcripts: non-coding transcript variant (1).
Genome position (GRCh38, 1-based): chr6:42,969,681, G>C on the plus strand (C>G on the coding strand, the complement: PEX6 is on the minus strand). VCF-style: chr6-42969681-G-C. GRCh37 (hg19) VCF-style: chr6-42937419-G-C.
Other names: c.1090C>G, p.Arg364Gly (NM_001316313.2); short protein forms R452G, R364G.
Identifiers: ClinVar variation 2104796 (VCV002104796.4), dbSNP rs762734034, ClinGen allele CA364155578.
Genomic context (GRCh38, chr6:42,969,681, plus strand): 5'-GTTCTAAGCAGGCTTTTCTCACACCCTGGGGTGATGACCTCACTCACCCTGGCTGGAGGC[G>C]AGGCTTCAGGACAGCACAGAGTTCAGACACCAAGGCCTCCAGGCCTGGAGGAGACAAACT-3'
Protein context (NP_000278.3, residues 442-462): VSELCAVLKP[Arg452Gly]LQPGGALLTG